The following is an entry in ClinVar:

ClinVar aggregate classification (germline): Likely benign. Review status: criteria provided, multiple submitters, no conflicts (2 of 4 stars). 3 submissions from 3 submitters: Likely benign (2). 1 of the submissions does not count toward it. Last evaluated 2025-04-22.

Conditions:
GP1BA-related disorder. Also called: GP1BA-related condition.

Allele frequency attached by ClinVar (database versions not stated): gnomAD exomes 0.00007; ExAC 0.00023; 1000 Genomes Project 0.00040; 1000 Genomes Project 30x 0.00047; ESP Exome Variant Server 0.00057; gnomAD 0.00072; TOPMed 0.00075.

Submissions (3):

Women's Health and Genetics/Laboratory Corporation of America, LabCorp
Classification: Likely benign. Last evaluated: 2025-04-22. Review status: criteria provided, single submitter. Criteria: LabCorp Variant Classification Summary - May 2015. Collection method: clinical testing. Allele origin: germline.

Blueprint Genetics
Classification: Likely benign. Last evaluated: 2024-09-02. Review status: criteria provided, single submitter. Criteria: ACMG Guidelines, 2015. Collection method: clinical testing. Allele origin: germline.

PreventionGenetics, part of Exact Sciences
Classification: Likely benign for GP1BA-related condition. Last evaluated: 2024-01-11. Review status: no assertion criteria provided. Collection method: clinical testing. Allele origin: germline. Not counted in ClinVar's aggregate classification.
Comment: This variant is classified as likely benign based on ACMG/AMP sequence variant interpretation guidelines (Richards et al. 2015 PMID: 25741868, with internal and published modifications).

NM_000173.7(GP1BA):c.930T>C (p.Thr310=)

Gene: GP1BA (glycoprotein Ib platelet subunit alpha; plus strand). Cytogenetic location: 17p13.2.
Variant type: single nucleotide variant.
Coding change: c.930T>C on transcript NM_000173.7 (MANE Select); coding-DNA position 930, T replaced by C.
Protein change: p.Thr310=; no amino-acid change (threonine 310 retained).
Molecular consequence: synonymous variant.
Genome position (GRCh38, 1-based): chr17:4,933,534, T>C. VCF-style: chr17-4933534-T-C. GRCh37 (hg19) VCF-style: chr17-4836829-T-C.
Identifiers: ClinVar variation 3047357 (VCV003047357.5), dbSNP rs181987848, ClinGen allele CA8314860.